The following continues an entry in ClinVar:

NM_000059.4(BRCA2):c.5576_5579del (p.Ile1859fs)

Gene: BRCA2. ClinVar aggregate classification (germline): Pathogenic. Pathogenic (1).

Submissions 38 to 47 of 47:

Counsyl
Classification: Pathogenic for Breast-ovarian cancer, familial, susceptibility to, 2. Last evaluated: 2015-08-25. Review status: no assertion criteria provided. Collection method: clinical testing. Allele origin: unknown. Not counted in ClinVar's aggregate classification.

Research Molecular Genetics Laboratory, Women's College Hospital, University of Toronto
Classification: Pathogenic for Hereditary breast ovarian cancer syndrome. Last evaluated: 2014-01-31. Review status: no assertion criteria provided. Collection method: research. Allele origin: germline. Affected: yes. Study: The Canadian Open Genetics Repository (COGR). Not counted in ClinVar's aggregate classification.

Sharing Clinical Reports Project (SCRP)
Classification: Pathogenic for Breast-ovarian cancer, familial 2. Last evaluated: 2012-05-01. Review status: no assertion criteria provided. Collection method: clinical testing. Allele origin: germline. Not counted in ClinVar's aggregate classification.

Foulkes Cancer Genetics LDI, Lady Davis Institute for Medical Research
Classification: Pathogenic for Breast and/or ovarian cancer. Last evaluated: 2009-03-10. Review status: no assertion criteria provided. Collection method: clinical testing. Allele origin: germline. Study: The Canadian Open Genetics Repository (COGR). Not counted in ClinVar's aggregate classification.

Breast Cancer Information Core (BIC) (BRCA2)
Classification: Pathogenic for Breast-ovarian cancer, familial 2. Last evaluated: 2002-05-29. Review status: no assertion criteria provided. Collection method: clinical testing. Allele origin: germline. Affected: yes. Observed: 29 variant alleles. Not counted in ClinVar's aggregate classification.

Center for Precision Medicine, Meizhou People's Hospital
Classification: Pathogenic for Familial cancer of breast. Review status: no assertion criteria provided. Collection method: literature only. Allele origin: germline. Affected: yes. Not counted in ClinVar's aggregate classification.

Clinical Genetics DNA and cytogenetics Diagnostics Lab, Erasmus MC, Erasmus Medical Center
Classification: Pathogenic. Review status: no assertion criteria provided. Collection method: clinical testing. Allele origin: germline. Affected: yes. Study: VKGL Data-share Consensus. Not counted in ClinVar's aggregate classification.

Clinical Genetics Laboratory, Department of Pathology, Netherlands Cancer Institute
Classification: Pathogenic. Review status: no assertion criteria provided. Collection method: clinical testing. Allele origin: germline. Affected: yes. Study: VKGL Data-share Consensus. Not counted in ClinVar's aggregate classification.

Department of Pathology and Laboratory Medicine, Sinai Health System
Classification: Pathogenic for Malignant tumor of breast. Review status: no assertion criteria provided. Collection method: clinical testing. Allele origin: unknown. Affected: yes. Study: The Canadian Open Genetics Repository (COGR). Not counted in ClinVar's aggregate classification.
Comment: The BRCA2 p.Ile1859Lysfs*3 variant was identified in 72 of 57,640 proband chromosomes (freq: 0.001) from individuals or families with breast or ovarian cancer and in 3 of 47,462 chromosomes (freq: 0.00006) from healthy individuals (Momozawa 2018, Bhaskaran 2019, George 2013, Foster 1996, Haeyoun 2012, Kokichi 2008, Jalkh 2012, Schneegans 2012, Jang 2012, Blay 2013). The variant was identified in dbSNP (rs1255151416) as â€šÃ„ÃºNAâ€šÃ„Ã¹, ClinVar (classified as pathogenic by Invitae, Ambry Genetics, Color, GeneDx and 17 other submitters), LOVD 3.0 (observed 35x) and UMD-LSDB (observed 26x). The variant was identified in control databases in 4 of 244,832 chromosomes at a frequency of 0.00002 (Genome Aggregation Database Feb 27, 2017). The variant was observed in the following populations: African in 1 of 15,994 chromosomes (freq: 0.0001), European in 2 of 111,564 chromosomes (freq: 0.00002), and East Asian in 1 of 18,154 chromosomes (freq: 0.00006); it was not observed in the Latino, Ashkenazi Jewish, South Asian, Finnish, or Other populations. The p.Ile1859Lysfs*3 variant is predicted to cause a frameshift, which alters the protein's amino acid sequence beginning at codon 1859 and leads to a premature stop codon 3 codons downstream. This alteration is then predicted to result in a truncated or absent protein and loss of function. Loss of function variants of the BRCA2 gene are an established mechanism of disease in hereditary breast and ovarian cancer and is the type of variant expected to cause the disorder. In summary, based on the above information, this variant meets our laboratoryâ€šÃ„Ã´s criteria to be classified as pathogenic.

Genome Diagnostics Laboratory, University Medical Center Utrecht
Classification: Pathogenic. Review status: no assertion criteria provided. Collection method: clinical testing. Allele origin: germline. Affected: yes. Study: VKGL Data-share Consensus. Not counted in ClinVar's aggregate classification.

Literature cited by the submitters: PubMed 8705994 (cited by 8 submitters); PubMed 20104584 (cited by 7 submitters); PubMed 22160602 (cited by 6 submitters); PubMed 22217648 (cited by 4 submitters); PubMed 23633455 (cited by 7 submitters); PubMed 23683081 (cited by 6 submitters); PubMed 26848529 (cited by 6 submitters); PubMed 27914478 (cited by Mayo Clinic Laboratories, Mayo Clinic); PubMed 31214711 (cited by 4 submitters); PubMed 32980694 (cited by Mayo Clinic Laboratories, Mayo Clinic); PubMed 38707742 (cited by Mayo Clinic Laboratories, Mayo Clinic); PubMed 11149425 (cited by Color Diagnostics, LLC DBA Color Health and All of Us Research Program, National Institutes of Health); PubMed 17262179 (cited by 4 submitters); PubMed 19471317 (cited by 4 submitters); PubMed 21233401 (cited by 3 submitters); PubMed 22713736 (cited by 4 submitters); PubMed 22798144 (cited by 5 submitters); PubMed 23479189 (cited by 3 submitters); PubMed 24249303 (cited by Color Diagnostics, LLC DBA Color Health and All of Us Research Program, National Institutes of Health); PubMed 24578176 (cited by Color Diagnostics, LLC DBA Color Health and All of Us Research Program, National Institutes of Health); PubMed 24728189 (cited by 3 submitters); PubMed 30287823 (cited by 5 submitters); PubMed 33471991 (cited by 3 submitters); PubMed 28111427 (cited by Ambry Genetics); PubMed 28724667 (cited by Ambry Genetics); PubMed 29360550 (cited by Ambry Genetics); PubMed 29681614 (cited by Ambry Genetics); PubMed 30322717 (cited by Ambry Genetics); PubMed 30350268 (cited by Ambry Genetics); PubMed 30742731 (cited by Ambry Genetics); PubMed 31143373 (cited by Ambry Genetics and Quest Diagnostics Nichols Institute San Juan Capistrano); PubMed 31263500 (cited by Ambry Genetics); PubMed 31666926 (cited by Ambry Genetics and Quest Diagnostics Nichols Institute San Juan Capistrano); PubMed 31742824 (cited by Ambry Genetics); PubMed 31924417 (cited by Ambry Genetics); PubMed 32393398 (cited by Ambry Genetics); PubMed 32778078 (cited by Ambry Genetics); PubMed 32918181 (cited by Ambry Genetics and Quest Diagnostics Nichols Institute San Juan Capistrano); PubMed 34645131 (cited by Ambry Genetics and Quest Diagnostics Nichols Institute San Juan Capistrano); PubMed 35918668 (cited by Quest Diagnostics Nichols Institute San Juan Capistrano); PubMed 26295337 (cited by Quest Diagnostics Nichols Institute San Juan Capistrano); PubMed 25777348 (cited by Laboratory for Molecular Medicine, Mass General Brigham Personalized Medicine and Center for Precision Medicine, Meizhou People's Hospital); PubMed 18465347 (cited by Sema4 and Women's Health and Genetics/Laboratory Corporation of America, LabCorp); PubMed 35535697 (cited by Laan Lab, Human Genetics Research Group, University of Tartu); PubMed 21120943 (cited by Women's Health and Genetics/Laboratory Corporation of America, LabCorp); PubMed 36988593 (cited by Laboratory for Genotyping Development, RIKEN); PubMed 38922859 (cited by Molecular Oncology, Hospital Universitario Central de Asturias (HUCA)); PubMed 21497495 (cited by Counsyl); PubMed 22762150 (cited by Counsyl).